The following is an entry in ClinVar:

ClinVar aggregate classification (germline): Uncertain significance (1 of 4 stars; one submission).

Allele frequency attached by ClinVar (database versions not stated): gnomAD exomes below 0.00001.
gnomAD v4.1: 1 of 1,613,712 alleles (0.000062%); highest among the groups gnomAD compares: Admixed American, 0.0017%; no homozygotes.

Submission:

Labcorp Genetics (formerly Invitae), Labcorp
Classification: Uncertain significance. Last evaluated: 2022-10-05. Review status: criteria provided, single submitter. Criteria: Invitae Variant Classification Sherloc (09022015). Collection method: clinical testing. Allele origin: germline.
Comment: Algorithms developed to predict the effect of sequence changes on RNA splicing suggest that this variant may disrupt the consensus splice site. In summary, the available evidence is currently insufficient to determine the role of this variant in disease. Therefore, it has been classified as a Variant of Uncertain Significance. This variant has not been reported in the literature in individuals affected with POLE-related conditions. This variant is present in population databases (no rsID available, gnomAD 0.003%). This sequence change affects codon 817 of the POLE mRNA. It is a 'silent' change, meaning that it does not change the encoded amino acid sequence of the POLE protein.

NM_006231.4(POLE):c.2451C>G (p.Gly817=)

Gene: POLE (DNA polymerase epsilon, catalytic subunit; minus strand). Cytogenetic location: 12q24.33.
Variant type: single nucleotide variant.
Coding change: c.2451C>G on transcript NM_006231.4 (MANE Select); coding-DNA position 2451, C replaced by G.
Protein change: p.Gly817=; no amino-acid change (glycine 817 retained).
Molecular consequence: synonymous variant.
Genome position (GRCh38, 1-based): chr12:132,665,319, G>C on the plus strand (C>G on the coding strand, the complement: POLE is on the minus strand). VCF-style: chr12-132665319-G-C. GRCh37 (hg19) VCF-style: chr12-133241905-G-C.
Identifiers: ClinVar variation 2034128 (VCV002034128.4), dbSNP rs1415790445, ClinGen allele CA482739246.